The following is an entry in ClinVar:

ClinVar aggregate classification (germline): Pathogenic (1 of 4 stars; one submission).

Submission:

Labcorp Genetics (formerly Invitae), Labcorp
Classification: Pathogenic. Last evaluated: 2024-02-14. Review status: criteria provided, single submitter. Criteria: Invitae Variant Classification Sherloc (09022015). Collection method: clinical testing. Allele origin: germline.
Comment: This sequence change creates a premature translational stop signal (p.Phe372Valfs*25) in the ACAD9 gene. It is expected to result in an absent or disrupted protein product. Loss-of-function variants in ACAD9 are known to be pathogenic (PMID: 25721401). This variant is not present in population databases (gnomAD no frequency). This variant has not been reported in the literature in individuals affected with ACAD9-related conditions. For these reasons, this variant has been classified as Pathogenic.

Literature cited by the submitters: PubMed 25721401.

NM_014049.5(ACAD9):c.1113_1114insG (p.Phe372fs)

Gene: ACAD9 (acyl-CoA dehydrogenase family member 9; plus strand). Cytogenetic location: 3q21.3.
Variant type: Insertion.
Coding change: c.1113_1114insG on transcript NM_014049.5 (MANE Select); coding-DNA positions 1113 to 1114, G inserted.
Protein change: p.Phe372fs; shifts the reading frame from phenylalanine 372.
Molecular consequence: frameshift variant. On other transcripts: non-coding transcript variant (1).
Genome position: GRCh38 VCF-style: chr3-128904469-C-CG. GRCh37 (hg19) VCF-style: chr3-128623312-C-CG.
Other names: c.744_745insG, p.Phe249fs (NM_001410805.1); short protein forms F249fs, F372fs.
Identifiers: ClinVar variation 3705410 (VCV003705410.2).
Genomic context (GRCh38, chr3:128,904,469, plus strand): 5'-GAAGGCTTACGTCATGGAGAGTATGACCTACCTCACAGCAGGGATGCTGGACCAACCTGG[C>CG]TTTCCCGACTGCTCCATCGAGGCAGCCATGGTGAAGGTAACCCTGGCATAGCCAGAGAGC-3'